The following is an entry in ClinVar:

ClinVar aggregate classification (germline): Benign. Review status: criteria provided, multiple submitters, no conflicts (2 of 4 stars). 7 submissions from 7 submitters: Benign (3). 4 of the submissions do not count toward it. Last evaluated 2026-02-02.

Conditions:
Hermansky-Pudlak syndrome (HPS). Also called: ALBINISM WITH HEMORRHAGIC DIATHESIS AND PIGMENTED RETICULOENDOTHELIAL CELLS. Identifiers: Orphanet 79430, MedGen C0079504, MONDO:0019312.

Allele frequency attached by ClinVar (database versions not stated): gnomAD 0.00704 and 0.00761; TOPMed 0.00719; 1000 Genomes Project 0.00759; 1000 Genomes Project 30x 0.00812; ESP Exome Variant Server 0.00907.
gnomAD v4.1: 2,086 of 1,611,496 alleles (0.13%); highest among the groups gnomAD compares: African/African-American, 2.5%; 33 homozygotes.

Submissions (21):

Labcorp Genetics (formerly Invitae), Labcorp
Classification: Benign. Last evaluated: 2026-02-02. Review status: criteria provided, single submitter. Criteria: Invitae Variant Classification Sherloc (09022015). Collection method: clinical testing. Allele origin: germline.

Mayo Clinic Laboratories, Mayo Clinic
Classification: Benign. Last evaluated: 2024-04-26. Review status: criteria provided, single submitter. Criteria: ACMG Guidelines, 2015. Collection method: clinical testing. Allele origin: germline. Observed: 3 variant alleles.
Comment: BS1, BS2, BP4

Breakthrough Genomics
Classification: Benign. Review status: criteria provided, single submitter. Criteria: ACMG Guidelines, 2015. Collection method: not provided. Allele origin: germline. Inheritance: Autosomal recessive inheritance. Affected: yes.

Natera, Inc.
Classification: Benign for Hermansky-Pudlak syndrome. Last evaluated: 2020-09-16. Review status: no assertion criteria provided. Collection method: clinical testing. Allele origin: germline. Not counted in ClinVar's aggregate classification.

Clinical Genetics DNA and cytogenetics Diagnostics Lab, Erasmus MC, Erasmus Medical Center
Classification: Benign. Review status: no assertion criteria provided. Collection method: clinical testing. Allele origin: germline. Affected: yes. Study: VKGL Data-share Consensus. Not counted in ClinVar's aggregate classification.

Dr. Peter K. Rogan Lab, Western University
No classification provided (evidence only). Condition: Clear cell carcinoma of kidney. Review status: no classification provided. Collection method: in vitro. Allele origin: not applicable. Functional consequence: retained intron. Not counted in ClinVar's aggregate classification.

Dr. Peter K. Rogan Lab, Western University
No classification provided (evidence only). Condition: Clear cell carcinoma of kidney. Review status: no classification provided. Collection method: in vitro. Allele origin: not applicable. Functional consequence: retained intron. Not counted in ClinVar's aggregate classification.

Dr. Peter K. Rogan Lab, Western University
No classification provided (evidence only). Condition: Clear cell carcinoma of kidney. Review status: no classification provided. Collection method: in vitro. Allele origin: not applicable. Functional consequence: retained intron. Not counted in ClinVar's aggregate classification.

Dr. Peter K. Rogan Lab, Western University
No classification provided (evidence only). Condition: Clear cell carcinoma of kidney. Review status: no classification provided. Collection method: in vitro. Allele origin: not applicable. Functional consequence: retained intron. Not counted in ClinVar's aggregate classification.

Dr. Peter K. Rogan Lab, Western University
No classification provided (evidence only). Condition: Uterine corpus endometrial carcinoma. Review status: no classification provided. Collection method: in vitro. Allele origin: not applicable. Functional consequence: retained intron. Not counted in ClinVar's aggregate classification.

Dr. Peter K. Rogan Lab, Western University
No classification provided (evidence only). Condition: Uterine corpus endometrial carcinoma. Review status: no classification provided. Collection method: in vitro. Allele origin: not applicable. Functional consequence: retained intron. Not counted in ClinVar's aggregate classification.

Dr. Peter K. Rogan Lab, Western University
No classification provided (evidence only). Condition: Uterine corpus endometrial carcinoma. Review status: no classification provided. Collection method: in vitro. Allele origin: not applicable. Functional consequence: retained intron. Not counted in ClinVar's aggregate classification.

Dr. Peter K. Rogan Lab, Western University
No classification provided (evidence only). Condition: Uterine corpus endometrial carcinoma. Review status: no classification provided. Collection method: in vitro. Allele origin: not applicable. Functional consequence: retained intron. Not counted in ClinVar's aggregate classification.

Dr. Peter K. Rogan Lab, Western University
No classification provided (evidence only). Condition: Cervical cancer. Review status: no classification provided. Collection method: in vitro. Allele origin: not applicable. Functional consequence: retained intron. Not counted in ClinVar's aggregate classification.

Dr. Peter K. Rogan Lab, Western University
No classification provided (evidence only). Condition: Thymoma. Review status: no classification provided. Collection method: in vitro. Allele origin: not applicable. Functional consequence: retained intron. Not counted in ClinVar's aggregate classification.

Dr. Peter K. Rogan Lab, Western University
No classification provided (evidence only). Condition: Gastric cancer. Review status: no classification provided. Collection method: in vitro. Allele origin: not applicable. Functional consequence: retained intron. Not counted in ClinVar's aggregate classification.

Dr. Peter K. Rogan Lab, Western University
No classification provided (evidence only). Condition: Gastric cancer. Review status: no classification provided. Collection method: in vitro. Allele origin: not applicable. Functional consequence: retained intron. Not counted in ClinVar's aggregate classification.

Dr. Peter K. Rogan Lab, Western University
No classification provided (evidence only). Condition: Malignant tumor of esophagus. Review status: no classification provided. Collection method: in vitro. Allele origin: not applicable. Functional consequence: retained intron. Not counted in ClinVar's aggregate classification.

Dr. Peter K. Rogan Lab, Western University
No classification provided (evidence only). Condition: Malignant tumor of esophagus. Review status: no classification provided. Collection method: in vitro. Allele origin: not applicable. Functional consequence: retained intron. Not counted in ClinVar's aggregate classification.

Genome Diagnostics Laboratory, University Medical Center Utrecht
Classification: Benign. Review status: no assertion criteria provided. Collection method: clinical testing. Allele origin: germline. Affected: yes. Study: VKGL Data-share Consensus. Not counted in ClinVar's aggregate classification.

Laboratory of Diagnostic Genome Analysis, Leiden University Medical Center (LUMC)
Classification: Likely benign. Review status: no assertion criteria provided. Collection method: clinical testing. Allele origin: germline. Affected: yes. Study: VKGL Data-share Consensus. Not counted in ClinVar's aggregate classification.

NM_000195.5(HPS1):c.779G>A (p.Arg260Gln)

Gene: HPS1 (HPS1 biogenesis of lysosomal organelles complex 3 subunit 1; minus strand). Cytogenetic location: 10q24.2.
Variant type: single nucleotide variant.
Coding change: c.779G>A on transcript NM_000195.5 (MANE Select); coding-DNA position 779, G replaced by A.
Protein change: p.Arg260Gln; replaces arginine 260 with glutamine.
Molecular consequence: missense variant. On other transcripts: 5 prime UTR variant (1), intron variant (8).
Genome position (GRCh38, 1-based): chr10:98,429,879, C>T on the plus strand (G>A on the coding strand, the complement: HPS1 is on the minus strand). VCF-style: chr10-98429879-C-T. GRCh37 (hg19) VCF-style: chr10-100189636-C-T.
Other names: p.Arg260Gln; c.779G>A, p.Arg260Gln (NM_001322476.2, NM_001322477.2, NM_182639.4); c.518G>A, p.Arg173Gln (NM_001322480.2, NM_001322481.2); c.410G>A, p.Arg137Gln (NM_001322483.2, NM_001322484.2); c.-194G>A (NM_001322487.2); c.661G>A, p.Gly221Arg (NM_001322490.2); c.769-237G>A (NM_001322478.2, NM_001322479.2, NM_001322491.2); c.400-237G>A (NM_001322485.2); and 3 more; short protein forms R137Q, G221R, R260Q, R173Q.
Identifiers: ClinVar variation 774558 (VCV000774558.18), dbSNP rs56378825, ClinGen allele CA5639280.
Genomic context (GRCh38, chr10:98,429,879, plus strand): 5'-CCCGTGGAGTGAGGGCTCCAGGCCTGCTGCACGGGGATGTTCTGGCTGCTCCGGGCCCTC[C>T]GCGGGGAAGGCTGTGCAGGGCAGGGGAGAGGCTGGTTAGCTCCTATCTGACCTGGCTCCC-3'
Protein context (NP_000186.2, residues 250-270): TAEDDIQPSP[Arg260Gln]RARSSQNIPV